The following is an entry in ClinVar:

NM_000157.4(GBA1):c.1495G>A (p.Val499Met)

Genes: GBA1 (glucosylceramidase beta 1; minus strand), LOC106627981 (GBA recombination region; plus strand). Cytogenetic location: 1q22.
Variant type: single nucleotide variant.
Coding change: c.1495G>A on transcript NM_000157.4 (MANE Select); coding-DNA position 1495, G replaced by A.
Protein change: p.Val499Met; replaces valine 499 with methionine.
Molecular consequence: missense variant.
Genome position (GRCh38, 1-based): chr1:155,235,205, C>T on the plus strand (G>A on the coding strand, the complement: GBA1 is on the minus strand). VCF-style: chr1-155235205-C-T. GRCh37 (hg19) VCF-style: chr1-155204996-C-T.
Other names: c.1495G>A, p.Val499Met (NM_001005741.3, NM_001005742.3); c.1234G>A, p.Val412Met (NM_001171811.2); c.1348G>A, p.Val450Met (NM_001171812.2); short protein forms V499M, V412M, V450M.
Identifiers: ClinVar variation 806227 (VCV000806227.44), dbSNP rs369068553, ClinGen allele CA1141513.

ClinVar aggregate classification (germline): Uncertain significance. Review status: criteria provided, multiple submitters, no conflicts (2 of 4 stars). 3 submissions from 3 submitters: Uncertain significance (3). Last evaluated 2024-12-13.

Conditions:
Gaucher disease perinatal lethal. Also called: Gaucher disease collodion type; Gaucher Disease, Perinatal-Lethal Form. Identifiers: Orphanet 85212, MedGen C1842704, MONDO:0011945, OMIM 608013.
Gaucher disease-ophthalmoplegia-cardiovascular calcification syndrome. Also called: GAUCHER DISEASE, TYPE IIIC. Identifiers: Orphanet 2072, MedGen C1856476, MONDO:0009268, OMIM 231005.
Lewy body dementia (DLB). Also called: Lewy Body Disease. Identifiers: MedGen C0752347, MONDO:0007488, OMIM 127750.
Gaucher disease type I (GD1). Also called: ACID BETA-GLUCOSIDASE DEFICIENCY; GAUCHER DISEASE, NONCEREBRAL JUVENILE; GBA DEFICIENCY; GD I; GLUCOCEREBROSIDASE DEFICIENCY; GD 1. Identifiers: Orphanet 355, Orphanet 77259, MedGen C1961835, MONDO:0009265, OMIM 230800.
Gaucher disease type II (GD2). Also called: GAUCHER DISEASE, ACUTE NEURONOPATHIC TYPE; GD II; Type 2 Gaucher disease (Acute; Infantile); Acute neuronopathic Gaucher's disease. Identifiers: Orphanet 77260, MedGen C0268250, MONDO:0009266, OMIM 230900.
Gaucher disease type III. Also called: GAUCHER DISEASE, CHRONIC NEURONOPATHIC TYPE; GAUCHER DISEASE, JUVENILE AND ADULT, CEREBRAL; GAUCHER DISEASE, SUBACUTE NEURONOPATHIC TYPE; GD III; Gaucher Disease, Type 3; Type 3 Gaucher disease (Subacute; Juvenile). Identifiers: Orphanet 355, Orphanet 77261, MedGen C0268251, MONDO:0009267, OMIM 231000.
Parkinson disease, late-onset (PD). Also called: Susceptibility to Parkinson's Disease; PARKINSON DISEASE, LATE-ONSET, SUSCEPTIBILITY TO; Hereditary late onset Parkinson disease. Identifiers: Orphanet 411602, MedGen C3160718, MONDO:0008199, OMIM 168600.

Allele frequency attached by ClinVar (database versions not stated): TOPMed 0.00002; gnomAD 0.00006; 1000 Genomes Project 30x 0.00016; 1000 Genomes Project 0.00020.
gnomAD v4.1: 44 of 1,613,138 alleles (0.0027%); highest among the groups gnomAD compares: African/African-American, 0.011%; no homozygotes.

Submissions (3):

Women's Health and Genetics/Laboratory Corporation of America, LabCorp
Classification: Uncertain significance. Last evaluated: 2024-12-13. Review status: criteria provided, single submitter. Criteria: LabCorp Variant Classification Summary - May 2015. Collection method: clinical testing. Allele origin: germline.
Comment: Variant summary: GBA1 c.1495G>A (p.Val499Met) results in a conservative amino acid change located in the Glycosyl hydrolase family 30 beta sandwich domain (IPR033452) of the encoded protein sequence. Three of five in-silico tools predict a damaging effect of the variant on protein function. The variant allele was found at a frequency of 2.7e-05 in 1613138 control chromosomes. This frequency is not significantly higher than estimated for a pathogenic variant in GBA1 causing Gaucher Disease (2.7e-05 vs 0.005), allowing no conclusion about variant significance. c.1495G>A has been reported in the literature in the heterozygous state in individuals affected with Parkinsondisease and in the homozygous state in individuals from one familiy affected with Gaucher Disease who were also homozygous for other missense variants in GBA1 (Zhang_2018, Ren_2023, ZHao_2021, Marano_2024, Erdem_2018). These report(s) do not provide unequivocal conclusions about association of the variant with Gaucher Disease. To our knowledge, no experimental evidence demonstrating an impact on protein function has been reported. This variant is also known as V460M. The following publications have been ascertained in the context of this evaluation (PMID: 30126557, 38843618, 34951095, 29527153, 34867278). ClinVar contains an entry for this variant (Variation ID: 806227). Based on the evidence outlined above, the variant was classified as uncertain significance.

CeGaT Center for Human Genetics Tuebingen
Classification: Uncertain significance. Last evaluated: 2023-06-01. Review status: criteria provided, single submitter. Criteria: CeGaT Center For Human Genetics Tuebingen Variant Classification Criteria Version 2. Collection method: clinical testing. Allele origin: germline. Affected: yes. Observed: 2 variant alleles.
Comment: GBA1: PM2, PM5, PM3:Supporting

Fulgent Genetics
Classification: Uncertain significance for Lewy body dementia; Parkinson disease, late-onset; Gaucher disease type I; Gaucher disease type II; Gaucher disease type III; Gaucher disease-ophthalmoplegia-cardiovascular calcification syndrome; Gaucher disease perinatal lethal. Last evaluated: 2021-08-06. Review status: criteria provided, single submitter. Criteria: ACMG Guidelines, 2015. Collection method: clinical testing. Allele origin: unknown.

Literature cited by the submitters: PubMed 29527153 (cited by Women's Health and Genetics/Laboratory Corporation of America, LabCorp); PubMed 34867278 (cited by Women's Health and Genetics/Laboratory Corporation of America, LabCorp); PubMed 34951095 (cited by Women's Health and Genetics/Laboratory Corporation of America, LabCorp); PubMed 30126557 (cited by Women's Health and Genetics/Laboratory Corporation of America, LabCorp); PubMed 38843618 (cited by Women's Health and Genetics/Laboratory Corporation of America, LabCorp).